The following is an entry in ClinVar:

NM_015295.3(SMCHD1):c.2882C>T (p.Thr961Ile)

Gene: SMCHD1 (structural maintenance of chromosomes flexible hinge domain containing 1; plus strand). Cytogenetic location: 18p11.32.
Variant type: single nucleotide variant.
Coding change: c.2882C>T on transcript NM_015295.3 (MANE Select); coding-DNA position 2882, C replaced by T.
Protein change: p.Thr961Ile; replaces threonine 961 with isoleucine.
Molecular consequence: missense variant.
Genome position (GRCh38, 1-based): chr18:2,728,565, C>T. VCF-style: chr18-2728565-C-T. GRCh37 (hg19) VCF-style: chr18-2728563-C-T.
Other names: short protein forms T961I.
Identifiers: ClinVar variation 4780368 (VCV004780368.1).

ClinVar aggregate classification (germline): Uncertain significance (1 of 4 stars; one submission).

Conditions:
Facioscapulohumeral muscular dystrophy 2 (FSHD2). Also called: MUSCULAR DYSTROPHY, FACIOSCAPULOHUMERAL, TYPE 1B; FACIOSCAPULOHUMERAL MUSCULAR DYSTROPHY 2, DIGENIC; FSHD2, DIGENIC. Identifiers: Orphanet 269, MedGen C1834671, MONDO:0008031, OMIM 158901.

Submission:

Labcorp Genetics (formerly Invitae), Labcorp
Classification: Uncertain significance for Facioscapulohumeral muscular dystrophy 2. Last evaluated: 2025-08-26. Review status: criteria provided, single submitter. Criteria: Invitae Variant Classification Sherloc (09022015). Collection method: clinical testing. Allele origin: germline.
Comment: This sequence change replaces threonine, which is neutral and polar, with isoleucine, which is neutral and non-polar, at codon 961 of the SMCHD1 protein (p.Thr961Ile). This variant is not present in population databases (gnomAD no frequency). This variant has not been reported in the literature in individuals affected with SMCHD1-related conditions. Invitae Evidence Modeling of protein sequence and biophysical properties (such as structural, functional, and spatial information, amino acid conservation, physicochemical variation, residue mobility, and thermodynamic stability) indicates that this missense variant is expected to disrupt SMCHD1 protein function with a positive predictive value of 80%. In summary, the available evidence is currently insufficient to determine the role of this variant in disease. Therefore, it has been classified as a Variant of Uncertain Significance.